The following is an entry in ClinVar:

NM_004946.3(DOCK2):c.948G>A (p.Thr316=)

Genes: DOCK2 (dedicator of cytokinesis 2; plus strand), LOC126807589 (BRD4-independent group 4 enhancer GRCh37_chr5:169122482-169123681; plus strand). Cytogenetic location: 5q35.1.
Variant type: single nucleotide variant.
Coding change: c.948G>A on transcript NM_004946.3 (MANE Select); coding-DNA position 948, G replaced by A.
Protein change: p.Thr316=; no amino-acid change (threonine 316 retained).
Molecular consequence: synonymous variant. On other transcripts: non-coding transcript variant (1).
Genome position (GRCh38, 1-based): chr5:169,695,907, G>A. VCF-style: chr5-169695907-G-A. GRCh37 (hg19) VCF-style: chr5-169122911-G-A.
Identifiers: ClinVar variation 1675998 (VCV001675998.35), dbSNP rs199921409, ClinGen allele CA132019997.

ClinVar aggregate classification (germline): Likely benign. Review status: criteria provided, multiple submitters, no conflicts (2 of 4 stars). 2 submissions from 2 submitters: Likely benign (2). Last evaluated 2024-06-19.

Conditions:
DOCK2 deficiency. Also called: Immunodeficiency 40. Identifiers: Orphanet 447737, MedGen C4225328, MONDO:0014637, OMIM 616433.

Allele frequency attached by ClinVar (database versions not stated): gnomAD 0.00001; TOPMed 0.00003.

Submissions (2):

Labcorp Genetics (formerly Invitae), Labcorp
Classification: Likely benign for DOCK2 deficiency. Last evaluated: 2024-06-19. Review status: criteria provided, single submitter. Criteria: Invitae Variant Classification Sherloc (09022015). Collection method: clinical testing. Allele origin: germline.

CeGaT Center for Human Genetics Tuebingen
Classification: Likely benign. Last evaluated: 2022-03-01. Review status: criteria provided, single submitter. Criteria: CeGaT Center For Human Genetics Tuebingen Variant Classification Criteria Version 2. Collection method: clinical testing. Allele origin: germline. Affected: yes. Observed: 1 variant allele.
Comment: DOCK2: BP4, BP7